The following is an entry in ClinVar:

ClinVar aggregate classification (germline): Conflicting classifications of pathogenicity. Review status: criteria provided, conflicting classifications (1 of 4 stars). 17 submissions from 17 submitters: Uncertain significance (5); Benign (2); Likely benign (6). 4 of the submissions do not count toward it. Last evaluated 2026-07-01.

Conditions:
Hereditary cancer. Identifiers: MedGen C1333600.
BRCA1-related cancer predisposition. Identifiers: MedGen CN377757, MONDO:0700268.
BRCA1-related disorder. Also called: BRCA1-related condition.
Hereditary cancer-predisposing syndrome. Also called: Neoplastic Syndromes, Hereditary; Tumor predisposition; Hereditary Cancer Syndrome; Hereditary neoplastic syndrome. Identifiers: Orphanet 140162, MedGen C0027672, MeSH D009386, MONDO:0015356.
Hereditary breast ovarian cancer syndrome. Also called: Hereditary breast and/or ovarian cancer syndrome; Hereditary breast and ovarian cancer syndrome; Hereditary breast and ovarian cancer; Hereditary breast and ovarian cancer syndrome (HBOC); Breast and ovarian cancer; BRCA1- and BRCA2-Associated Hereditary Breast and Ovarian Cancer. Identifiers: Orphanet 145, MedGen C0677776, MeSH D061325, MONDO:0003582. Disease mechanism: loss of function.
Breast-ovarian cancer, familial, susceptibility to, 1 (BROVCA1). Also called: OVARIAN CANCER, SUSCEPTIBILITY TO; BRCA1 Hereditary Breast and Ovarian Cancer. Identifiers: Orphanet 145, MedGen C2676676, MONDO:0011450, OMIM 604370. Disease mechanism: loss of function.
Familial cancer of breast. Also called: Hereditary breast cancer; BREAST CANCER, FAMILIAL; hereditary breast carcinoma. Identifiers: Orphanet 227535, MedGen C0346153, MONDO:0016419, OMIM 114480. Disease mechanism: loss of function.

Allele frequency attached by ClinVar (database versions not stated): TOPMed 0.00014; gnomAD 0.00023 and 0.00024.
gnomAD v4.1: 63 of 1,614,078 alleles (0.0039%); highest among the groups gnomAD compares: Admixed American, 0.083%; 1 homozygote.

Submissions 1 to 11 of 17:

CeGaT Center for Human Genetics Tuebingen
Classification: Likely benign. Last evaluated: 2026-07-01. Review status: criteria provided, single submitter. Criteria: CeGaT Center For Human Genetics Tuebingen Variant Classification Criteria Version 2. Collection method: clinical testing. Allele origin: germline. Affected: yes. Observed: 2 variant alleles.
Comment: BRCA1: BP1, BS1:Supporting

Labcorp Genetics (formerly Invitae), Labcorp
Classification: Likely benign for Hereditary breast ovarian cancer syndrome. Last evaluated: 2025-12-18. Review status: criteria provided, single submitter. Criteria: Invitae Variant Classification Sherloc (09022015). Collection method: clinical testing. Allele origin: germline.

PreventionGenetics, part of Exact Sciences
Classification: Likely benign for BRCA1-related condition. Last evaluated: 2025-10-27. Review status: criteria provided, single submitter. Criteria: ACMG Guidelines, 2015. Collection method: clinical testing. Allele origin: germline.
Comment: This variant is classified as likely benign based on ACMG/AMP sequence variant interpretation guidelines (Richards et al. 2015 PMID: 25741868, with internal and published modifications).

Quest Diagnostics Nichols Institute San Juan Capistrano
Classification: Uncertain significance. Last evaluated: 2025-10-06. Review status: criteria provided, single submitter. Criteria: Quest Diagnostics criteria. Collection method: clinical testing. Allele origin: unknown.
Comment: The BRCA1 c.3929C>A (p.Thr1310Lys) variant has been reported in the published literature in individuals with personal and/or familial history of breast and/or ovarian cancer (PMID: 39565531 (2024), 35980532 (2022), 18824701 (2008)) and pancreatic cancer (PMID: 30666157 (2019)). In a large scale breast cancer association study, this variant has been observed in breast cancer cases and a reportedly unaffected individual (PMID: 33471991 (2021), see also LOVD). This variant has also been described to be located in a region of the BRCA1 gene that is tolerant to missense sequence changes (PMID: 31911673 (2020)). The frequency of this variant in the general population (Genome Aggregation Database) is higher than would generally be expected for pathogenic variants in this gene. Analysis of this variant using bioinformatics tools for the prediction of the effect of amino acid changes on protein structure and function yielded predictions that this variant is benign. Based on the available information, we are unable to determine the clinical significance of this variant.

Dasa
Classification: Benign for Breast-ovarian cancer, familial, susceptibility to, 1. Last evaluated: 2024-12-16. Review status: criteria provided, single submitter. Criteria: DASA Assertion Criteria. Collection method: clinical testing. Allele origin: germline.
Comment: NM_007294.4(BRCA1):c.3929C>A (p.Thr1310Lys) is a missense variant that results in the substitution of threonine with lysine. Based on the available data, this variant is classified as benign.

All of Us Research Program, National Institutes of Health
Classification: Uncertain significance for BRCA1-related cancer predisposition. Last evaluated: 2024-08-06. Review status: criteria provided, single submitter. Criteria: ACMG Guidelines, 2015. Collection method: clinical testing. Allele origin: germline. Inheritance: Autosomal dominant inheritance. Observed: 3 variant alleles, 3 heterozygotes.
Comment: This missense variant replaces threonine with lysine at codon 1310 of the BRCA1 protein. Computational prediction is inconclusive regarding the impact of this variant on protein structure and function (internally defined REVEL score threshold 0.5 < inconclusive < 0.7, PMID: 27666373). To our knowledge, functional studies have not been reported for this variant. This variant has been detected in 4 individuals affected with breast cancer, one individual affected with pancreatic cancer, and one unaffected individual (PMID: 33471991, 30666157; LOVD DB-ID BRCA1_000283; Color internal data). This variant also has been reported in a multifactorial analysis with likelihood ratios for pathogenicity based on tumor pathology, co-occurrence with a pathogenic variant, and family history of 0.2856, 1.1768 and 6.1835, respectively (PMID: 31131967). This variant has been identified in 20/251182 chromosomes in the general population by the Genome Aggregation Database (gnomAD). The available evidence is insufficient to determine the role of this variant in disease conclusively. Therefore, this variant is classified as a Variant of Uncertain Significance.

This study involves interpretation of variants in research participants for the purpose of population health screening. Participant phenotype was not available at the time of variant classification. Additional details can be found in publication PMID: 35346344, PMCID: PMC8962531

Color Diagnostics, LLC DBA Color Health
Classification: Uncertain significance for Hereditary cancer-predisposing syndrome. Last evaluated: 2024-04-25. Review status: criteria provided, single submitter. Criteria: ACMG Guidelines, 2015. Collection method: clinical testing. Allele origin: germline.
Comment: This missense variant replaces threonine with lysine at codon 1310 of the BRCA1 protein. Computational prediction is inconclusive regarding the impact of this variant on protein structure and function. To our knowledge, functional studies have not been reported for this variant. This variant has been detected in 4 individuals affected with breast cancer, one individual affected with pancreatic cancer, and one unaffected individual (PMID: 33471991, 30666157; LOVD DB-ID BRCA1_000283; Color internal data). This variant also has been reported in a multifactorial analysis with likelihood ratios for pathogenicity based on tumor pathology, co-occurrence with a pathogenic variant, and family history of 0.2856, 1.1768 and 6.1835, respectively (PMID: 31131967). This variant has been identified in 20/251182 chromosomes in the general population by the Genome Aggregation Database (gnomAD). The available evidence is insufficient to determine the role of this variant in disease conclusively. Therefore, this variant is classified as a Variant of Uncertain Significance.

Institute of Medical Genetics and Applied Genomics, University Hospital Tübingen
Classification: Benign for Familial cancer of breast. Last evaluated: 2024-04-10. Review status: criteria provided, single submitter. Criteria: ACMG Guidelines, 2015. Collection method: clinical testing. Allele origin: germline. Affected: yes.

GeneDx
Classification: Uncertain significance. Last evaluated: 2024-02-20. Review status: criteria provided, single submitter. Criteria: GeneDx Variant Classification Process June 2021. Collection method: clinical testing. Allele origin: germline. Affected: yes.
Comment: Observed in individuals with breast or pancreatic cancer, but also in unaffected controls (PMID: 30666157, 33471991, 35980532); In silico analysis supports that this missense variant does not alter protein structure/function; Also known as 4048C>A; This variant is associated with the following publications: (PMID: 35980532, 18824701, 15385441, 31131967, 25348012, 33471991, 28717660, 30666157, 15343273, 22737296)

Mendelics
Classification: Likely benign for Hereditary cancer. Last evaluated: 2024-01-23. Review status: criteria provided, single submitter. Criteria: ACMG Guidelines, 2015. Collection method: clinical testing. Allele origin: unknown.

University of Washington Department of Laboratory Medicine, University of Washington
Classification: Likely benign for Hereditary cancer-predisposing syndrome. Last evaluated: 2023-03-23. Review status: criteria provided, single submitter. Criteria: Dines et al. (Genet Med. 2020). Collection method: curation. Allele origin: germline.
Comment: Missense variant in a coldspot region where missense variants are very unlikely to be pathogenic (PMID:31911673).

BRCA1 coldspot (exon 11 using historical exon numbering). Reclassification based on statistical prior probability

NM_007294.4(BRCA1):c.3929C>A (p.Thr1310Lys)

Genes: BRCA1 (BRCA1 DNA repair associated; minus strand), LOC126862571 (BRD4-independent group 4 enhancer GRCh37_chr17:41243136-41244335; plus strand). Cytogenetic location: 17q21.31.
Variant type: single nucleotide variant.
Coding change: c.3929C>A on transcript NM_007294.4 (MANE Select); coding-DNA position 3929, C replaced by A.
Protein change: p.Thr1310Lys; replaces threonine 1310 with lysine.
Molecular consequence: missense variant. On other transcripts: intron variant (135).
Genome position (GRCh38, 1-based): chr17:43,091,602, G>T on the plus strand (C>A on the coding strand, the complement: BRCA1 is on the minus strand). VCF-style: chr17-43091602-G-T. GRCh37 (hg19) VCF-style: chr17-41243619-G-T.
Other names: 4048C>A; c.3716C>A, p.Thr1239Lys (NM_001407571.1, NM_001407853.1, NM_001407894.1 and 9 more transcripts); c.3929C>A, p.Thr1310Lys (NM_001407581.1, NM_001407582.1, NM_001407583.1 and 30 more transcripts); c.3926C>A, p.Thr1309Lys (NM_001407587.1, NM_001407590.1, NM_001407591.1 and 22 more transcripts); c.3920C>A, p.Thr1307Lys (NM_001407646.1, NM_001407647.1); c.3806C>A, p.Thr1269Lys (NM_001407648.1, NM_001407664.1, NM_001407665.1 and 19 more transcripts); c.3803C>A, p.Thr1268Lys (NM_001407649.1, NM_001407670.1, NM_001407671.1 and 11 more transcripts); c.3851C>A, p.Thr1284Lys (NM_001407653.1, NM_001407654.1, NM_001407655.1 and 4 more transcripts); and 42 more; short protein forms T1310K, T1263K, T1142K, T1182K, T1222K, T1239K, T1240K, T1268K.
Identifiers: ClinVar variation 55053 (VCV000055053.49), dbSNP rs80357257, ClinGen allele CA002524.